The following is an entry in ClinVar:

NM_001458.5(FLNC):c.1652G>A (p.Trp551Ter)

Gene: FLNC (filamin C; plus strand). Cytogenetic location: 7q32.1.
Variant type: single nucleotide variant.
Coding change: c.1652G>A on transcript NM_001458.5 (MANE Select); coding-DNA position 1652, G replaced by A.
Protein change: p.Trp551Ter; replaces tryptophan 551 with a stop codon.
Molecular consequence: nonsense.
Genome position (GRCh38, 1-based): chr7:128,840,650, G>A. VCF-style: chr7-128840650-G-A. GRCh37 (hg19) VCF-style: chr7-128480704-G-A.
Other names: c.1652G>A, p.Trp551Ter (NM_001127487.2); short protein forms W551*.
Identifiers: ClinVar variation 3754761 (VCV003754761.2).

ClinVar aggregate classification (germline): Pathogenic (1 of 4 stars; one submission).

Conditions:
Myofibrillar myopathy 5. Also called: Filaminopathy (type); FILAMINOPATHY, AUTOSOMAL DOMINANT. Identifiers: Orphanet 171445, MedGen C1836050, MONDO:0012289, OMIM 609524.
Distal myopathy with posterior leg and anterior hand involvement. Also called: WILLIAMS DISTAL MYOPATHY. Identifiers: Orphanet 63273, MedGen C3279722, MONDO:0013550, OMIM 614065.
Hypertrophic cardiomyopathy 26. Also called: Cardiomyopathy, familial hypertrophic, 26. Identifiers: Orphanet 75249, MedGen C4310749, MONDO:0014883, OMIM 617047.

Submission:

Labcorp Genetics (formerly Invitae), Labcorp
Classification: Pathogenic for Distal myopathy with posterior leg and anterior hand involvement; Myofibrillar myopathy 5; Hypertrophic cardiomyopathy 26. Last evaluated: 2024-02-17. Review status: criteria provided, single submitter. Criteria: Invitae Variant Classification Sherloc (09022015). Collection method: clinical testing. Allele origin: germline.
Comment: This sequence change creates a premature translational stop signal (p.Trp551*) in the FLNC gene. It is expected to result in an absent or disrupted protein product. Loss-of-function variants in FLNC are known to be pathogenic (PMID: 27908349). This variant is not present in population databases (gnomAD no frequency). This variant has not been reported in the literature in individuals affected with FLNC-related conditions. For these reasons, this variant has been classified as Pathogenic.

Literature cited by the submitters: PubMed 27908349.